The following is an entry in ClinVar:

ClinVar aggregate classification (germline): Benign (1 of 4 stars; one submission).

Allele frequency attached by ClinVar (database versions not stated): 1000 Genomes Project 30x 0.63944; 1000 Genomes Project 0.64357; TOPMed 0.69398; gnomAD 0.71243 and 0.71287.
gnomAD v4.1: 108,294 of 151,908 alleles (71%); highest among the groups gnomAD compares: Non-Finnish European, 81%; 39,677 homozygotes.

Submission:

GeneDx
Classification: Benign. Last evaluated: 2018-06-14. Review status: criteria provided, single submitter. Criteria: GeneDx Variant Classification (06012015). Collection method: clinical testing. Allele origin: germline. Affected: yes.
Comment: This variant is considered likely benign or benign based on one or more of the following criteria: it is a conservative change, it occurs at a poorly conserved position in the protein, it is predicted to be benign by multiple in silico algorithms, and/or has population frequency not consistent with disease.

NM_000393.5(COL5A2):c.4113+282G>A

Gene: COL5A2 (collagen type V alpha 2 chain; minus strand). Cytogenetic location: 2q32.2.
Variant type: single nucleotide variant.
Coding change: c.4113+282G>A on transcript NM_000393.5 (MANE Select); 282 bases into the intron after coding-DNA position 4113, G replaced by A.
Molecular consequence: intron variant.
Genome position (GRCh38, 1-based): chr2:189,036,334, C>T on the plus strand (G>A on the coding strand, the complement: COL5A2 is on the minus strand). VCF-style: chr2-189036334-C-T. GRCh37 (hg19) VCF-style: chr2-189901060-C-T.
Identifiers: ClinVar variation 681217 (VCV000681217.1), dbSNP rs13008197, ClinGen allele CA62582461.